The following is an entry in ClinVar:

NM_000059.4(BRCA2):c.3251_3254del (p.Ser1084fs)

Gene: BRCA2 (BRCA2 DNA repair associated; plus strand). Cytogenetic location: 13q13.1.
Variant type: Deletion.
Coding change: c.3251_3254del on transcript NM_000059.4 (MANE Select); coding-DNA positions 3251 to 3254, 4 bases deleted (GTCA; older notation c.3251_3254delGTCA).
Protein change: p.Ser1084fs; shifts the reading frame from serine 1084.
Molecular consequence: frameshift variant.
Genome position (GRCh38, 1-based): chr13:32,337,606-32,337,609, GTCA deleted; deleting any 4 consecutive bases within chr13:32,337,605-32,337,609 gives the same sequence; the c. name uses the placement nearest the transcript's 3' end. VCF-style (leftmost placement, unchanged base first): chr13-32337604-TAGTC-T. GRCh37 (hg19) VCF-style: chr13-32911741-TAGTC-T.
Other names: short protein forms S1084fs.
Identifiers: ClinVar variation 923900 (VCV000923900.12), dbSNP rs2072475980, ClinGen allele CA1139663138.

ClinVar aggregate classification (germline): Pathogenic. Review status: criteria provided, multiple submitters, no conflicts (2 of 4 stars). 3 submissions from 3 submitters: Pathogenic (3). Last evaluated 2024-09-01.

Conditions:
Hereditary cancer-predisposing syndrome. Also called: Hereditary Cancer Syndrome; Hereditary neoplastic syndrome; Neoplastic Syndromes, Hereditary; Tumor predisposition. Identifiers: Orphanet 140162, MedGen C0027672, MeSH D009386, MONDO:0015356.
Hereditary breast ovarian cancer syndrome. Also called: BRCA1- and BRCA2-Associated Hereditary Breast and Ovarian Cancer; Hereditary breast and ovarian cancer syndrome; Hereditary breast and ovarian cancer syndrome (HBOC); Breast and ovarian cancer; Hereditary breast and ovarian cancer; Hereditary breast and/or ovarian cancer syndrome. Identifiers: Orphanet 145, MedGen C0677776, MeSH D061325, MONDO:0003582. Disease mechanism: loss of function.
Breast-ovarian cancer, familial, susceptibility to, 2 (BROVCA2). Also called: BRCA2 Hereditary Breast and Ovarian Cancer. Identifiers: Orphanet 145, MedGen C2675520, MONDO:0012933, OMIM 612555. Disease mechanism: loss of function.

Submissions (3):

Labcorp Genetics (formerly Invitae), Labcorp
Classification: Pathogenic for Hereditary breast ovarian cancer syndrome. Last evaluated: 2024-09-01. Review status: criteria provided, single submitter. Criteria: Invitae Variant Classification Sherloc (09022015). Collection method: clinical testing. Allele origin: germline.
Comment: This sequence change creates a premature translational stop signal (p.Ser1084Ilefs*2) in the BRCA2 gene. It is expected to result in an absent or disrupted protein product. Loss-of-function variants in BRCA2 are known to be pathogenic (PMID: 20104584). This variant is not present in population databases (gnomAD no frequency). This variant has not been reported in the literature in individuals affected with BRCA2-related conditions. ClinVar contains an entry for this variant (Variation ID: 923900). For these reasons, this variant has been classified as Pathogenic.

Myriad Genetics, Inc.
Classification: Pathogenic for Breast-ovarian cancer, familial, susceptibility to, 2. Last evaluated: 2023-11-14. Review status: criteria provided, single submitter. Criteria: Myriad Autosomal Dominant, Autosomal Recessive and X-Linked Classification Criteria (2023). Collection method: clinical testing. Allele origin: unknown.
Comment: This variant is considered pathogenic. This variant creates a frameshift predicted to result in premature protein truncation.

Color Diagnostics, LLC DBA Color Health
Classification: Pathogenic for Hereditary cancer-predisposing syndrome. Last evaluated: 2019-10-28. Review status: criteria provided, single submitter. Criteria: ACMG Guidelines, 2015. Collection method: clinical testing. Allele origin: germline.
Comment: This variant deletes 4 nucleotides in exon 11 of the BRCA2 gene, creating a frameshift and premature translation stop signal. This variant is expected to result in an absent or non-functional protein product. Splice site prediction tools suggest that this variant may not impact RNA splicing. To our knowledge, functional studies have not been performed for this variant. This variant has not been reported in individuals affected with hereditary cancer in the literature. This variant has not been identified in the general population by the Genome Aggregation Database (gnomAD). Loss of BRCA2 function is a known mechanism of disease. Based on the available evidence, this variant is classified as Pathogenic.

Literature cited by the submitters: PubMed 20104584 (cited by Labcorp Genetics (formerly Invitae), Labcorp).